The following is an entry in ClinVar:

NM_024757.5(EHMT1):c.361G>A (p.Gly121Ser)

Gene: EHMT1 (euchromatic histone lysine methyltransferase 1; plus strand). Cytogenetic location: 9q34.3.
Variant type: single nucleotide variant.
Coding change: c.361G>A on transcript NM_024757.5 (MANE Select); coding-DNA position 361, G replaced by A.
Protein change: p.Gly121Ser; replaces glycine 121 with serine.
Molecular consequence: missense variant.
Genome position (GRCh38, 1-based): chr9:137,716,901, G>A. VCF-style: chr9-137716901-G-A. GRCh37 (hg19) VCF-style: chr9-140611353-G-A.
Other names: c.361G>A, p.Gly121Ser (NM_001145527.2, NM_001354263.2, NM_001354611.2); c.268G>A, p.Gly90Ser (NM_001354259.2, NM_001354612.2); short protein forms G90S, G121S.
Identifiers: ClinVar variation 862279 (VCV000862279.11), dbSNP rs771499811, ClinGen allele CA5374282.

ClinVar aggregate classification (germline): Likely benign. Review status: criteria provided, multiple submitters, no conflicts (2 of 4 stars). 2 submissions from 2 submitters: Likely benign (2). Last evaluated 2026-02-03.

Conditions:
Kleefstra syndrome 1 (KLEFS1). Identifiers: Orphanet 261494, MedGen C0795833, MONDO:0027407, OMIM 610253.

Allele frequency attached by ClinVar (database versions not stated): gnomAD 0.00001 and 0.00002; gnomAD exomes 0.00001 and 0.00003; TOPMed 0.00001; ExAC 0.00004.
gnomAD v4.1: 25 of 1,612,986 alleles (0.0015%); highest among the groups gnomAD compares: East Asian, 0.0067%; no homozygotes.

Submissions (2):

Labcorp Genetics (formerly Invitae), Labcorp
Classification: Likely benign for Kleefstra syndrome 1. Last evaluated: 2026-02-03. Review status: criteria provided, single submitter. Criteria: Invitae Variant Classification Sherloc (09022015). Collection method: clinical testing. Allele origin: germline.

GeneDx
Classification: Likely benign. Last evaluated: 2019-01-23. Review status: criteria provided, single submitter. Criteria: GeneDx Variant Classification Process June 2021. Collection method: clinical testing. Allele origin: germline. Affected: yes.
Comment: See Variant Classification Assertion Criteria.